The following is an entry in ClinVar:

ClinVar aggregate classification (germline): Uncertain significance. Review status: criteria provided, multiple submitters, no conflicts (2 of 4 stars). 2 submissions from 2 submitters: Uncertain significance (2). Last evaluated 2023-04-27.

Conditions:
Hypokalemic periodic paralysis, type 1. Also called: HypoPP; Hypokalemic Periodic Paralysis Type 1 (AD). Identifiers: Orphanet 681, MedGen C3714580, MONDO:0042979, OMIM 170400.
Malignant hyperthermia, susceptibility to, 5 (MHS5). Also called: CACNA1S-Related Malignant Hyperthermia Susceptibility. Identifiers: Orphanet 423, MedGen C1866077, MONDO:0011163, OMIM 601887.

Submissions (2):

All of Us Research Program, National Institutes of Health
Classification: Uncertain significance for Malignant hyperthermia, susceptibility to, 5. Last evaluated: 2023-04-27. Review status: criteria provided, single submitter. Criteria: ACMG Guidelines, 2015. Collection method: clinical testing. Allele origin: germline. Inheritance: Autosomal dominant inheritance. Observed: 1 variant allele, 1 heterozygote.
Comment: This study involves interpretation of variants in research participants for the purpose of population health screening. Participant phenotype was not available at the time of variant classification. Additional details can be found in publication PMID: 35346344, PMCID: PMC8962531

Labcorp Genetics (formerly Invitae), Labcorp
Classification: Uncertain significance for Hypokalemic periodic paralysis, type 1; Malignant hyperthermia, susceptibility to, 5. Last evaluated: 2022-04-11. Review status: criteria provided, single submitter. Criteria: Invitae Variant Classification Sherloc (09022015). Collection method: clinical testing. Allele origin: germline.
Comment: This variant is not present in population databases (gnomAD no frequency). In summary, the available evidence is currently insufficient to determine the role of this variant in disease. Therefore, it has been classified as a Variant of Uncertain Significance. Advanced modeling of protein sequence and biophysical properties (such as structural, functional, and spatial information, amino acid conservation, physicochemical variation, residue mobility, and thermodynamic stability) performed at Invitae indicates that this missense variant is not expected to disrupt CACNA1S protein function. This variant has not been reported in the literature in individuals affected with CACNA1S-related conditions. This sequence change replaces aspartic acid, which is acidic and polar, with glutamic acid, which is acidic and polar, at codon 1421 of the CACNA1S protein (p.Asp1421Glu).

NM_000069.3(CACNA1S):c.4263C>A (p.Asp1421Glu)

Gene: CACNA1S (calcium voltage-gated channel subunit alpha1 S; minus strand). Cytogenetic location: 1q32.1.
Variant type: single nucleotide variant.
Coding change: c.4263C>A on transcript NM_000069.3 (MANE Select); coding-DNA position 4263, C replaced by A.
Protein change: p.Asp1421Glu; replaces aspartic acid 1421 with glutamic acid.
Molecular consequence: missense variant.
Genome position (GRCh38, 1-based): chr1:201,049,078, G>T on the plus strand (C>A on the coding strand, the complement: CACNA1S is on the minus strand). VCF-style: chr1-201049078-G-T. GRCh37 (hg19) VCF-style: chr1-201018206-G-T.
Other names: short protein forms D1421E.
Identifiers: ClinVar variation 1985571 (VCV001985571.5), dbSNP rs368436684, ClinGen allele CA344146484.